The following is an entry in ClinVar:

NC_000008.10:g.(?_90982582)_(90983528_?)del

Gene: NBN (nibrin; minus strand). Cytogenetic location: 8q21.3.
Variant type: Deletion.
Identifiers: ClinVar variation 1410650 (VCV001410650.4).

ClinVar aggregate classification (germline): Uncertain significance (1 of 4 stars; one submission).

Conditions:
Microcephaly, normal intelligence and immunodeficiency (NBS). Also called: Nijmegen breakage syndrome; Microcephaly with normal intelligence immunodeficiency and lymphoreticular malignancies; Nonsyndromal microcephaly autosomal recessive with normal intelligence; Seemanova syndrome 2; SEEMANOVA SYNDROME II; IMMUNODEFICIENCY, MICROCEPHALY, AND CHROMOSOMAL INSTABILITY. Identifiers: Orphanet 647, MedGen C0398791, MONDO:0009623, OMIM 251260.

Submission:

Labcorp Genetics (formerly Invitae), Labcorp
Classification: Uncertain significance for Microcephaly, normal intelligence and immunodeficiency. Last evaluated: 2021-11-29. Review status: criteria provided, single submitter. Criteria: Invitae Variant Classification Sherloc (09022015). Collection method: clinical testing. Allele origin: germline.
Comment: In summary, the available evidence is currently insufficient to determine the role of this variant in disease. Therefore, it has been classified as a Variant of Uncertain Significance. This variant has not been reported in the literature in individuals affected with NBN-related conditions. This variant is a gross deletion of the genomic region encompassing exon(s) 6-7 of the NBN gene. This variant would be expected to be in-frame, preserving the integrity of the reading frame.